The following is an entry in ClinVar:

ClinVar aggregate classification (germline): Uncertain significance. Review status: criteria provided, multiple submitters, no conflicts (2 of 4 stars). 5 submissions from 5 submitters: Uncertain significance (3). 2 of the submissions do not count toward it. Last evaluated 2024-10-17.

Conditions:
Alstrom syndrome (ALMS). Identifiers: Orphanet 64, MedGen C0268425, MONDO:0008763, OMIM 203800.
ALMS1-related disorder. Also called: ALMS1-related condition.

Submissions (5):

Labcorp Genetics (formerly Invitae), Labcorp
Classification: Uncertain significance for Alstrom syndrome. Last evaluated: 2024-10-17. Review status: criteria provided, single submitter. Criteria: Invitae Variant Classification Sherloc (09022015). Collection method: clinical testing. Allele origin: germline.
Comment: This variant, c.221_229del, results in the deletion of 3 amino acid(s) of the ALMS1 protein (p.Asp74_Glu76del), but otherwise preserves the integrity of the reading frame. This variant is present in population databases (no rsID available, gnomAD 0.003%). This variant has not been reported in the literature in individuals affected with ALMS1-related conditions. ClinVar contains an entry for this variant (Variation ID: 555930). Experimental studies and prediction algorithms are not available or were not evaluated, and the functional significance of this variant is currently unknown. In summary, the available evidence is currently insufficient to determine the role of this variant in disease. Therefore, it has been classified as a Variant of Uncertain Significance.

Fulgent Genetics
Classification: Uncertain significance for Alstrom syndrome. Last evaluated: 2021-10-29. Review status: criteria provided, single submitter. Criteria: ACMG Guidelines, 2015. Collection method: clinical testing. Allele origin: unknown.

GeneDx
Classification: Uncertain significance. Last evaluated: 2021-06-02. Review status: criteria provided, single submitter. Criteria: GeneDx Variant Classification Process June 2021. Collection method: clinical testing. Allele origin: germline. Affected: yes.
Comment: Not observed at significant frequency in large population cohorts (Lek et al., 2016); In-frame deletion of 3 amino acids; In silico analysis supports a deleterious effect on protein structure/function; Has not been previously published as pathogenic or benign to our knowledge; This variant is associated with the following publications: (PMID: 27535533, 26582918)

PreventionGenetics, part of Exact Sciences
Classification: Uncertain significance for ALMS1-related condition. Last evaluated: 2024-05-02. Review status: no assertion criteria provided. Collection method: clinical testing. Allele origin: germline. Not counted in ClinVar's aggregate classification.
Comment: The ALMS1 c.220_228del9 variant is predicted to result in an in-frame deletion (p.Glu74_Ala76del). To our knowledge, this variant has not been reported in the literature or in a large population database, indicating this variant is rare. At this time, the clinical significance of this variant is uncertain due to the absence of conclusive functional and genetic evidence.

Counsyl
Classification: Uncertain significance for Alstrom syndrome. Last evaluated: 2018-01-04. Review status: no assertion criteria provided. Collection method: clinical testing. Allele origin: unknown. Not counted in ClinVar's aggregate classification.

NM_001378454.1(ALMS1):c.209ACGAGGAGG[1] (p.70DEE[1])

Gene: ALMS1 (ALMS1 centrosome and basal body associated protein; plus strand). Cytogenetic location: 2p13.1.
Variant type: Microsatellite.
Coding change: c.209ACGAGGAGG[1] on transcript NM_001378454.1 (MANE Select); one copy of the 9-base unit ACGAGGAGG starting at c.209; the reference has two copies in a row; one copy, 9 bases deleted.
Protein change: p.70DEE[1].
Molecular consequence: inframe deletion.
Genome position (GRCh38, 1-based): chr2:73,386,086-73,386,094, ACGAGGAGG deleted; deleting any 9 consecutive bases within chr2:73,386,076-73,386,094 gives the same sequence; the position shown is the placement nearest the transcript's 3' end. VCF-style (leftmost placement, unchanged base first): chr2-73386075-CGACGAGGAG-C. GRCh37 (hg19) VCF-style: chr2-73613203-CGACGAGGAG-C.
Other names: c.221_229del (NM_015120.4); c.221_229del9 (NM_015120.4); c.212ACGAGGAGG[1], p.71DEE[1] (NM_015120.4); c.220_228del9 (NM_015120.4).
Identifiers: ClinVar variation 555930 (VCV000555930.9), dbSNP rs772848105, ClinGen allele CA534125597.